The following is an entry in ClinVar:

ClinVar aggregate classification (germline): Conflicting classifications of pathogenicity. Review status: criteria provided, conflicting classifications (1 of 4 stars). 5 submissions from 5 submitters: Uncertain significance (3); Likely benign (2). Last evaluated 2025-12-22.

Conditions:
Hereditary breast ovarian cancer syndrome. Also called: Hereditary breast and ovarian cancer; Hereditary breast and ovarian cancer syndrome; Breast and ovarian cancer; Hereditary breast and ovarian cancer syndrome (HBOC); Hereditary breast and/or ovarian cancer syndrome; BRCA1- and BRCA2-Associated Hereditary Breast and Ovarian Cancer. Identifiers: Orphanet 145, MedGen C0677776, MeSH D061325, MONDO:0003582. Disease mechanism: loss of function.
Hereditary cancer-predisposing syndrome. Also called: Hereditary Cancer Syndrome; Neoplastic Syndromes, Hereditary; Tumor predisposition; Hereditary neoplastic syndrome. Identifiers: Orphanet 140162, MedGen C0027672, MeSH D009386, MONDO:0015356.
Breast-ovarian cancer, familial, susceptibility to, 2 (BROVCA2). Also called: BRCA2 Hereditary Breast and Ovarian Cancer. Identifiers: Orphanet 145, MedGen C2675520, MONDO:0012933, OMIM 612555. Disease mechanism: loss of function.

Allele frequency attached by ClinVar (database versions not stated): TOPMed below 0.00001.

Submissions (5):

Labcorp Genetics (formerly Invitae), Labcorp
Classification: Uncertain significance for Hereditary breast ovarian cancer syndrome. Last evaluated: 2025-12-22. Review status: criteria provided, single submitter. Criteria: Invitae Variant Classification Sherloc (09022015). Collection method: clinical testing. Allele origin: germline.
Comment: This sequence change replaces glutamic acid, which is acidic and polar, with lysine, which is basic and polar, at codon 425 of the BRCA2 protein (p.Glu425Lys). This variant is not present in population databases (gnomAD no frequency). This variant has not been reported in the literature in individuals affected with BRCA2-related conditions. ClinVar contains an entry for this variant (Variation ID: 187152). Invitae Evidence Modeling of protein sequence and biophysical properties (such as structural, functional, and spatial information, amino acid conservation, physicochemical variation, residue mobility, and thermodynamic stability) indicates that this missense variant is not expected to disrupt BRCA2 protein function with a negative predictive value of 95%. In summary, the available evidence is currently insufficient to determine the role of this variant in disease. Therefore, it has been classified as a Variant of Uncertain Significance.

Myriad Genetics, Inc.
Classification: Likely benign for Breast-ovarian cancer, familial, susceptibility to, 2. Last evaluated: 2025-12-12. Review status: criteria provided, single submitter. Criteria: Myriad Autosomal Dominant, Autosomal Recessive and X-Linked Classification Criteria (2023). Collection method: clinical testing. Allele origin: unknown.
Comment: This variant is considered likely benign. This variant is strongly associated with less severe personal and family histories of cancer, typical for individuals without pathogenic variants in this gene [PMID: 25085752].

Ambry Genetics
Classification: Uncertain significance for Hereditary cancer-predisposing syndrome. Last evaluated: 2025-05-12. Review status: criteria provided, single submitter. Criteria: Ambry Variant Classification Scheme 2023. Collection method: clinical testing. Allele origin: germline.
Comment: The p.E425K variant (also known as c.1273G>A), located in coding exon 9 of the BRCA2 gene, results from a G to A substitution at nucleotide position 1273. The glutamic acid at codon 425 is replaced by lysine, an amino acid with similar properties. This amino acid position is not well conserved in available vertebrate species. In addition, this alteration is predicted to be tolerated by in silico analysis. Based on the available evidence, the clinical significance of this variant remains unclear.

University of Washington Department of Laboratory Medicine, University of Washington
Classification: Likely benign for Hereditary cancer-predisposing syndrome. Last evaluated: 2023-03-23. Review status: criteria provided, single submitter. Criteria: Dines et al. (Genet Med. 2020). Collection method: curation. Allele origin: germline.
Comment: Missense variant in a coldspot region where missense variants are very unlikely to be pathogenic (PMID:31911673).

BRCA2 exon 10 coldspot. Reclassification based on statistical prior probability.

Color Diagnostics, LLC DBA Color Health
Classification: Uncertain significance for Hereditary cancer-predisposing syndrome. Last evaluated: 2021-11-15. Review status: criteria provided, single submitter. Criteria: ACMG Guidelines, 2015. Collection method: clinical testing. Allele origin: germline.
Comment: This missense variant replaces glutamic acid with lysine at codon 425 of the BRCA2 protein. Computational prediction suggests that this variant may not impact protein structure and function (internally defined REVEL score threshold <= 0.5, PMID: 27666373). To our knowledge, functional studies have not been reported for this variant. This variant has been reported once in a family suspected to be affected with hereditary breast and ovarian cancer (Leiden Open Variation Database BRCA2_003664). This variant has not been identified in the general population by the Genome Aggregation Database (gnomAD). The available evidence is insufficient to determine the role of this variant in disease conclusively. Therefore, this variant is classified as a Variant of Uncertain Significance.

Literature cited by the submitters: PubMed 25085752 (cited by Myriad Genetics, Inc.).

NM_000059.4(BRCA2):c.1273G>A (p.Glu425Lys)

Gene: BRCA2 (BRCA2 DNA repair associated; plus strand). Cytogenetic location: 13q13.1.
Variant type: single nucleotide variant.
Coding change: c.1273G>A on transcript NM_000059.4 (MANE Select); coding-DNA position 1273, G replaced by A.
Protein change: p.Glu425Lys; replaces glutamic acid 425 with lysine.
Molecular consequence: missense variant.
Genome position (GRCh38, 1-based): chr13:32,332,751, G>A. VCF-style: chr13-32332751-G-A. GRCh37 (hg19) VCF-style: chr13-32906888-G-A.
Other names: short protein forms E425K.
Identifiers: ClinVar variation 187152 (VCV000187152.15), dbSNP rs786203512, ClinGen allele CA011416.
Genomic context (GRCh38, chr13:32,332,751, plus strand): 5'-GGAGCCCAGATGGAGAAAATACCCCTATTGCATATTTCTTCATGTGACCAAAATATTTCA[G>A]AAAAAGACCTATTAGACACAGAGAACAAAAGAAAGAAAGATTTTCTTACTTCAGAGAATT-3'
Protein context (NP_000050.3, residues 415-435): HISSCDQNIS[Glu425Lys]KDLLDTENKR